The following is an entry in ClinVar:

ClinVar aggregate classification (germline): Uncertain significance (1 of 4 stars; one submission).

Submission:

Women's Health and Genetics/Laboratory Corporation of America, LabCorp
Classification: Uncertain significance. Last evaluated: 2024-07-30. Review status: criteria provided, single submitter. Criteria: LabCorp Variant Classification Summary - May 2015. Collection method: clinical testing. Allele origin: germline.
Comment: Variant summary: PLA2G6 c.2065A>T (p.Ile689Phe) results in a non-conservative amino acid change in the encoded protein sequence. Three of five in-silico tools predict a damaging effect of the variant on protein function. The variant was absent in 251414 control chromosomes. The available data on variant occurrences in the general population are insufficient to allow any conclusion about variant significance. c.2065A>T has been reported in the compound heterozygous state in the literature in at least 1 individual affected with clinical features of Neurodegeneration With Brain Iron Accumulation (example, Zhang_2013), including at least 1 individual carrying a pathogenic variant in trans. These data do not allow any conclusion about variant significance. To our knowledge, no experimental evidence demonstrating an impact on protein function has been reported. The following publication has been ascertained in the context of this evaluation (PMID: 22934738). No submitters have cited clinical-significance assessments for this variant to ClinVar. Based on the evidence outlined above, the variant was classified as uncertain significance.

Literature cited by the submitters: PubMed 22934738.

NM_003560.4(PLA2G6):c.2065A>T (p.Ile689Phe)

Gene: PLA2G6 (phospholipase A2 group VI; minus strand). Cytogenetic location: 22q13.1.
Variant type: single nucleotide variant.
Coding change: c.2065A>T on transcript NM_003560.4 (MANE Select); coding-DNA position 2065, A replaced by T.
Protein change: p.Ile689Phe; replaces isoleucine 689 with phenylalanine.
Molecular consequence: missense variant.
Genome position (GRCh38, 1-based): chr22:38,113,624, T>A on the plus strand (A>T on the coding strand, the complement: PLA2G6 is on the minus strand). VCF-style: chr22-38113624-T-A. GRCh37 (hg19) VCF-style: chr22-38509631-T-A.
Other names: c.1903A>T, p.Ile635Phe (NM_001004426.3, NM_001199562.3, NM_001349865.2 and 1 more transcripts); c.2065A>T, p.Ile689Phe (NM_001349864.2); c.1531A>T, p.Ile511Phe (NM_001349867.2); c.1387A>T, p.Ile463Phe (NM_001349868.2); c.1369A>T, p.Ile457Phe (NM_001349869.2); short protein forms I457F, I463F, I511F, I635F, I689F.
Identifiers: ClinVar variation 3339151 (VCV003339151.1).